The following is an entry in ClinVar:

NM_003183.6(ADAM17):c.2308_2309del (p.Ser770fs)

Genes: ADAM17 (ADAM metallopeptidase domain 17; minus strand), IAH1 (isoamyl acetate hydrolyzing esterase 1 (putative); plus strand). Cytogenetic location: 2p25.1.
Variant type: Deletion.
Coding change: c.2308_2309del on transcript NM_003183.6 (MANE Select); coding-DNA positions 2308 to 2309, 2 bases deleted (TC; older notation c.2308_2309delTC).
Protein change: p.Ser770fs; shifts the reading frame from serine 770.
Molecular consequence: frameshift variant.
Genome position (GRCh38, 1-based): chr2:9,490,343-9,490,344, GA deleted on the plus strand (TC on the coding strand, the reverse complement: ADAM17 is on the minus strand); deleting any 2 consecutive bases within chr2:9,490,343-9,490,345 gives the same sequence; the c. name uses the placement nearest the transcript's 3' end. VCF-style (leftmost placement, unchanged base first): chr2-9490342-TGA-T. GRCh37 (hg19) VCF-style: chr2-9630471-TGA-T.
Other names: c.1648_1649del, p.Ser550fs (NM_001382777.1); c.1411_1412del, p.Ser471fs (NM_001382778.1); short protein forms S550fs, S770fs, S471fs.
Identifiers: ClinVar variation 1915254 (VCV001915254.2), dbSNP rs746900439, ClinGen allele CA1523241.

ClinVar aggregate classification (germline): Uncertain significance (1 of 4 stars; one submission).

Conditions:
Inflammatory skin and bowel disease, neonatal, 1. Identifiers: Orphanet 294023, MedGen C3280501, MONDO:0013693, OMIM 614328.

Submission:

Labcorp Genetics (formerly Invitae), Labcorp
Classification: Uncertain significance for Inflammatory skin and bowel disease, neonatal, 1. Last evaluated: 2020-12-14. Review status: criteria provided, single submitter. Criteria: Invitae Variant Classification Sherloc (09022015). Collection method: clinical testing. Allele origin: germline.
Comment: This sequence change creates a premature translational stop signal (p.Ser770Thrfs*8) in the ADAM17 gene. While this is not anticipated to result in nonsense mediated decay, it is expected to disrupt the last 55 amino acid(s) of the ADAM17 protein. This variant is present in population databases (rs746900439, ExAC 0.001%). This variant has not been reported in the literature in individuals with ADAM17-related conditions. Experimental studies and prediction algorithms are not available or were not evaluated, and the functional significance of this variant is currently unknown. In summary, the available evidence is currently insufficient to determine the role of this variant in disease. Therefore, it has been classified as a Variant of Uncertain Significance.